The following is an entry in ClinVar:

NM_001174147.2(LMX1B):c.796T>G (p.Trp266Gly)

Gene: LMX1B (LIM homeobox transcription factor 1 beta; plus strand). Cytogenetic location: 9q33.3.
Variant type: single nucleotide variant.
Coding change: c.796T>G on transcript NM_001174147.2 (MANE Select); coding-DNA position 796, T replaced by G.
Protein change: p.Trp266Gly; replaces tryptophan 266 with glycine.
Molecular consequence: missense variant.
Genome position (GRCh38, 1-based): chr9:126,693,578, T>G. VCF-style: chr9-126693578-T-G. GRCh37 (hg19) VCF-style: chr9-129455857-T-G.
Other names: c.796T>G, p.Trp266Gly (NM_001174146.2, NM_002316.4); short protein forms W266G.
Identifiers: ClinVar variation 1468288 (VCV001468288.8), dbSNP rs1588307482, ClinGen allele CA374913911.

ClinVar aggregate classification (germline): Uncertain significance (1 of 4 stars; one submission).

Submission:

Labcorp Genetics (formerly Invitae), Labcorp
Classification: Uncertain significance. Last evaluated: 2021-03-15. Review status: criteria provided, single submitter. Criteria: Invitae Variant Classification Sherloc (09022015). Collection method: clinical testing. Allele origin: germline.
Comment: In summary, the available evidence is currently insufficient to determine the role of this variant in disease. Therefore, it has been classified as a Variant of Uncertain Significance. Algorithms developed to predict the effect of missense changes on protein structure and function are either unavailable or do not agree on the potential impact of this missense change (SIFT: "Deleterious"; PolyPhen-2: "Probably Damaging"; Align-GVGD: "Class C0"). This variant has been observed in individual(s) with clinical features of nail patella syndrome and end-stage-renal disease (Invitae). This variant is not present in population databases (ExAC no frequency). This sequence change replaces tryptophan with glycine at codon 266 of the LMX1B protein (p.Trp266Gly). The tryptophan residue is highly conserved and there is a large physicochemical difference between tryptophan and glycine.